The following is an entry in ClinVar:

ClinVar aggregate classification (germline): Uncertain significance. Review status: criteria provided, multiple submitters, no conflicts (2 of 4 stars). 2 submissions from 2 submitters: Uncertain significance (2). Last evaluated 2025-08-30.

Conditions:
Cardiovascular phenotype. Identifiers: MedGen CN230736.

Submissions (2):

Ambry Genetics
Classification: Uncertain significance for Cardiovascular phenotype. Last evaluated: 2025-08-30. Review status: criteria provided, single submitter. Criteria: Ambry Variant Classification Scheme 2023. Collection method: clinical testing. Allele origin: germline.

GeneDx
Classification: Uncertain significance. Last evaluated: 2022-11-04. Review status: criteria provided, single submitter. Criteria: GeneDx Variant Classification Process June 2021. Collection method: clinical testing. Allele origin: germline. Affected: yes.
Comment: Not observed at significant frequency in large population cohorts (gnomAD); In silico analysis supports that this missense variant has a deleterious effect on protein structure/function; Has not been previously published as pathogenic or benign to our knowledge

NM_001148.6(ANK2):c.1367C>T (p.Ser456Phe)

Gene: ANK2 (ankyrin 2; plus strand). Cytogenetic location: 4q26.
Variant type: single nucleotide variant.
Coding change: c.1367C>T on transcript NM_001148.6 (MANE Select); coding-DNA position 1367, C replaced by T.
Protein change: p.Ser456Phe; replaces serine 456 with phenylalanine.
Molecular consequence: missense variant. On other transcripts: intron variant (5).
Genome position (GRCh38, 1-based): chr4:113,258,392, C>T. VCF-style: chr4-113258392-C-T. GRCh37 (hg19) VCF-style: chr4-114179548-C-T.
Other names: c.1367C>T, p.Ser456Phe (NM_001354246.2, NM_001354258.2, NM_001354225.2 and 8 more transcripts); c.1280C>T, p.Ser427Phe (NM_001354249.2, NM_001354260.2, NM_001354274.2 and 13 more transcripts); c.1304C>T, p.Ser435Phe (NM_001354252.2, NM_001354253.2, NM_001354254.2 and 14 more transcripts); c.1412C>T, p.Ser471Phe (NM_001386144.1, NM_001354230.2, NM_001354231.2 and 5 more transcripts); c.1325C>T, p.Ser442Phe (NM_001386147.1, NM_001354261.2, NM_001386160.1); c.1355C>T, p.Ser452Phe (NM_001386148.2, NM_001386186.2); c.1418C>T, p.Ser473Phe (NM_001386174.1); c.1394C>T, p.Ser465Phe (NM_001386175.1); and 4 more; short protein forms S427F, S435F, S442F, S444F, S452F, S456F, S465F, S471F.
Identifiers: ClinVar variation 2501504 (VCV002501504.2), dbSNP rs2153635230, ClinGen allele CA357928052.